The following is an entry in ClinVar:

ClinVar aggregate classification (germline): Benign (0 of 4 stars; one submission).

Conditions:
UNC5C-related disorder. Also called: UNC5C-related condition.

Allele frequency attached by ClinVar (database versions not stated): 1000 Genomes Project 0.00060; 1000 Genomes Project 30x 0.00062; ExAC 0.00108; ESP Exome Variant Server 0.00138; gnomAD 0.00154; TOPMed 0.00155; gnomAD exomes 0.00218.
gnomAD v4.1: 3,427 of 1,614,106 alleles (0.21%); highest among the groups gnomAD compares: Non-Finnish European, 0.25%; 9 homozygotes.

Submission:

PreventionGenetics, part of Exact Sciences
Classification: Benign for UNC5C-related condition. Last evaluated: 2019-08-13. Review status: no assertion criteria provided. Collection method: clinical testing. Allele origin: germline.
Comment: This variant is classified as benign based on ACMG/AMP sequence variant interpretation guidelines (Richards et al. 2015 PMID: 25741868, with internal and published modifications).

NM_003728.4(UNC5C):c.1882G>A (p.Ala628Thr)

Gene: UNC5C (unc-5 netrin receptor C; minus strand). Cytogenetic location: 4q22.3.
Variant type: single nucleotide variant.
Coding change: c.1882G>A on transcript NM_003728.4 (MANE Select); coding-DNA position 1882, G replaced by A.
Protein change: p.Ala628Thr; replaces alanine 628 with threonine.
Molecular consequence: missense variant.
Genome position (GRCh38, 1-based): chr4:95,206,648, C>T on the plus strand (G>A on the coding strand, the complement: UNC5C is on the minus strand). VCF-style: chr4-95206648-C-T. GRCh37 (hg19) VCF-style: chr4-96127799-C-T.
Other names: short protein forms A628T.
Identifiers: ClinVar variation 3041410 (VCV003041410.2), dbSNP rs146123204, ClinGen allele CA3015562.